The following is an entry in ClinVar:

ClinVar aggregate classification (germline): Uncertain significance (1 of 4 stars; one submission).

Conditions:
MHC class II deficiency. Also called: Bare lymphocyte syndrome 2; BLS, TYPE II. Identifiers: Orphanet 572, MedGen C5447452, MONDO:0008855.

Allele frequency attached by ClinVar (database versions not stated): ExAC 0.00002.
gnomAD v4.1: 5 of 1,607,428 alleles (0.00031%); highest among the groups gnomAD compares: Non-Finnish European, 0.00034%; no homozygotes.

Submission:

Labcorp Genetics (formerly Invitae), Labcorp
Classification: Uncertain significance for MHC class II deficiency. Last evaluated: 2021-12-29. Review status: criteria provided, single submitter. Criteria: Invitae Variant Classification Sherloc (09022015). Collection method: clinical testing. Allele origin: germline.
Comment: This sequence change replaces arginine, which is basic and polar, with tryptophan, which is neutral and slightly polar, at codon 526 of the CIITA protein (p.Arg526Trp). This variant is present in population databases (rs775124129, gnomAD 0.002%). This variant has not been reported in the literature in individuals affected with CIITA-related conditions. Algorithms developed to predict the effect of missense changes on protein structure and function (SIFT, PolyPhen-2, Align-GVGD) all suggest that this variant is likely to be disruptive. In summary, the available evidence is currently insufficient to determine the role of this variant in disease. Therefore, it has been classified as a Variant of Uncertain Significance.

NM_000246.4(CIITA):c.1576C>T (p.Arg526Trp)

Gene: CIITA (class II major histocompatibility complex transactivator; plus strand). Cytogenetic location: 16p13.13.
Variant type: single nucleotide variant.
Coding change: c.1576C>T on transcript NM_000246.4 (MANE Select); coding-DNA position 1576, C replaced by T.
Protein change: p.Arg526Trp; replaces arginine 526 with tryptophan.
Molecular consequence: missense variant. On other transcripts: intron variant (1).
Genome position (GRCh38, 1-based): chr16:10,907,068, C>T. VCF-style: chr16-10907068-C-T. GRCh37 (hg19) VCF-style: chr16-11000925-C-T.
Other names: c.1579C>T, p.Arg527Trp (NM_001286402.1, NM_001379332.1); c.1432C>T, p.Arg478Trp (NM_001379330.1); c.1429C>T, p.Arg477Trp (NM_001379331.1); c.1576C>T, p.Arg526Trp (NM_001379333.1); c.1507C>T, p.Arg503Trp (NM_001379334.1); c.860-1915C>T (NM_001286403.2); short protein forms R478W, R477W, R526W, R527W, R503W.
Identifiers: ClinVar variation 1925005 (VCV001925005.2), dbSNP rs775124129, ClinGen allele CA7900176.